The following is an entry in ClinVar:

ClinVar aggregate classification (germline): Uncertain significance (1 of 4 stars; one submission).

Conditions:
Charcot-Marie-Tooth disease axonal type 2P. Also called: CHARCOT-MARIE-TOOTH NEUROPATHY, TYPE 2P; Charcot-Marie-Tooth Neuropathy Type 2G; CHARCOT-MARIE-TOOTH DISEASE, AXONAL, TYPE 2G; CMT 2G. Identifiers: Orphanet 300319, Orphanet 99941, MedGen C3280797, MONDO:0013753, OMIM 614436.

Submission:

Labcorp Genetics (formerly Invitae), Labcorp
Classification: Uncertain significance for Charcot-Marie-Tooth disease axonal type 2P. Last evaluated: 2025-01-13. Review status: criteria provided, single submitter. Criteria: Invitae Variant Classification Sherloc (09022015). Collection method: clinical testing. Allele origin: germline.
Comment: This sequence change replaces serine, which is neutral and polar, with tyrosine, which is neutral and polar, at codon 304 of the LRSAM1 protein (p.Ser304Tyr). This variant is present in population databases (no rsID available, gnomAD 0.003%). This variant has not been reported in the literature in individuals affected with LRSAM1-related conditions. Invitae Evidence Modeling of protein sequence and biophysical properties (such as structural, functional, and spatial information, amino acid conservation, physicochemical variation, residue mobility, and thermodynamic stability) indicates that this missense variant is not expected to disrupt LRSAM1 protein function with a negative predictive value of 80%. In summary, the available evidence is currently insufficient to determine the role of this variant in disease. Therefore, it has been classified as a Variant of Uncertain Significance.

NM_001005373.4(LRSAM1):c.911C>A (p.Ser304Tyr)

Gene: LRSAM1 (leucine rich repeat and sterile alpha motif containing 1; plus strand). Cytogenetic location: 9q33.3.
Variant type: single nucleotide variant.
Coding change: c.911C>A on transcript NM_001005373.4 (MANE Select); coding-DNA position 911, C replaced by A.
Protein change: p.Ser304Tyr; replaces serine 304 with tyrosine.
Molecular consequence: missense variant. On other transcripts: non-coding transcript variant (2).
Genome position (GRCh38, 1-based): chr9:127,479,846, C>A. VCF-style: chr9-127479846-C-A. GRCh37 (hg19) VCF-style: chr9-130242125-C-A.
Other names: c.911C>A, p.Ser304Tyr (NM_001005374.4, NM_001190723.3, NM_001384142.1 and 2 more transcripts); c.122C>A, p.Ser41Tyr (NM_001384144.1); short protein forms S304Y, S41Y.
Identifiers: ClinVar variation 3619276 (VCV003619276.2).